The following is an entry in ClinVar:

NM_007294.4(BRCA1):c.5331A>T (p.Thr1777=)

Gene: BRCA1 (BRCA1 DNA repair associated; minus strand). Cytogenetic location: 17q21.31.
Variant type: single nucleotide variant.
Coding change: c.5331A>T on transcript NM_007294.4 (MANE Select); coding-DNA position 5331, A replaced by T.
Protein change: p.Thr1777=; no amino-acid change (threonine 1777 retained).
Molecular consequence: synonymous variant. On other transcripts: intron variant (2).
Genome position (GRCh38, 1-based): chr17:43,051,064, T>A on the plus strand (A>T on the coding strand, the complement: BRCA1 is on the minus strand). VCF-style: chr17-43051064-T-A. GRCh37 (hg19) VCF-style: chr17-41203081-T-A.
Other names: c.5118A>T, p.Thr1706= (NM_001407571.1, NM_001407894.1, NM_001407895.1 and 12 more transcripts); c.5397A>T, p.Thr1799= (NM_001407581.1, NM_001407582.1); c.5394A>T, p.Thr1798= (NM_001407583.1, NM_001407585.1, NM_001407587.1 and 1 more transcripts); c.5391A>T, p.Thr1797= (NM_001407590.1, NM_001407591.1); c.5331A>T, p.Thr1777= (NM_001407593.1, NM_001407594.1, NM_001407596.1 and 6 more transcripts); c.5328A>T, p.Thr1776= (NM_001407610.1, NM_001407611.1, NM_001407612.1 and 17 more transcripts); c.5325A>T, p.Thr1775= (NM_001407627.1, NM_001407628.1, NM_001407629.1 and 14 more transcripts); c.5322A>T, p.Thr1774= (NM_001407644.1, NM_001407645.1); and 74 more.
Identifiers: ClinVar variation 867999 (VCV000867999.8), dbSNP rs1411246255, ClinGen allele CA500143576.

ClinVar aggregate classification (germline): Benign/Likely benign. Review status: criteria provided, multiple submitters, no conflicts (2 of 4 stars). 3 submissions from 3 submitters: Benign (1); Likely benign (2). Last evaluated 2024-05-30.

Conditions:
Hereditary cancer-predisposing syndrome. Also called: Neoplastic Syndromes, Hereditary; Tumor predisposition; Hereditary Cancer Syndrome; Hereditary neoplastic syndrome. Identifiers: Orphanet 140162, MedGen C0027672, MeSH D009386, MONDO:0015356.
BRCA1-related cancer predisposition. Identifiers: MedGen CN377757, MONDO:0700268.

gnomAD v4.1: 1 of 1,613,906 alleles (0.000062%); highest among the groups gnomAD compares: Non-Finnish European, 0.000085%; no homozygotes.

Submissions (4):

All of Us Research Program, National Institutes of Health
Classification: Likely benign for BRCA1-related cancer predisposition. Last evaluated: 2024-05-30. Review status: criteria provided, single submitter. Criteria: ACMG Guidelines, 2015. Collection method: clinical testing. Allele origin: germline. Inheritance: Autosomal dominant inheritance. Observed: 1 variant allele, 1 heterozygote.
Comment: This study involves interpretation of variants in research participants for the purpose of population health screening. Participant phenotype was not available at the time of variant classification. Additional details can be found in publication PMID: 35346344, PMCID: PMC8962531

Ambry Genetics
Classification: Benign for Hereditary cancer-predisposing syndrome. Last evaluated: 2021-03-15. Review status: criteria provided, single submitter. Criteria: Ambry Variant Classification Scheme 2023. Collection method: clinical testing. Allele origin: germline.

Color Diagnostics, LLC DBA Color Health
Classification: Likely benign for Hereditary cancer-predisposing syndrome. Last evaluated: 2019-06-24. Review status: criteria provided, single submitter. Criteria: ACMG Guidelines, 2015. Collection method: clinical testing. Allele origin: germline.

Brotman Baty Institute, University of Washington
No classification provided (evidence only). Condition: Breast-ovarian cancer, familial 1. Review status: no classification provided. Collection method: in vitro. Allele origin: not applicable. Functional consequence: functionally_normal. Not counted in ClinVar's aggregate classification.
ClinVar note: "not provided" was previously submitted as the classification for the variant. However, the classification appeared to be based only on an observation of functional data so it was converted to no classification on 2025-07-30.

Literature cited by the submitters: PubMed 30209399 (cited by Ambry Genetics).